The following is an entry in ClinVar:

NM_003072.5(SMARCA4):c.2973+4A>G

Gene: SMARCA4 (SWI/SNF related BAF chromatin remodeling complex subunit ATPase 4; plus strand). Cytogenetic location: 19p13.2.
Variant type: single nucleotide variant.
Coding change: c.2973+4A>G on transcript NM_003072.5 (MANE Select); 4 bases into the intron after coding-DNA position 2973, A replaced by G.
Molecular consequence: intron variant.
Genome position (GRCh38, 1-based): chr19:11,023,635, A>G. VCF-style: chr19-11023635-A-G. GRCh37 (hg19) VCF-style: chr19-11134311-A-G.
Other names: c.2973+4A>G (NM_001128844.3, NM_001128849.3, NM_001128847.4 and 5 more transcripts).
Identifiers: ClinVar variation 1498273 (VCV001498273.10), dbSNP rs2090030962, ClinGen allele CA2322726177.

ClinVar aggregate classification (germline): Uncertain significance. Review status: criteria provided, multiple submitters, no conflicts (2 of 4 stars). 3 submissions from 3 submitters: Uncertain significance (3). Last evaluated 2023-08-24.

Conditions:
Hereditary cancer-predisposing syndrome. Also called: Tumor predisposition; Hereditary neoplastic syndrome; Neoplastic Syndromes, Hereditary; Hereditary Cancer Syndrome. Identifiers: Orphanet 140162, MedGen C0027672, MeSH D009386, MONDO:0015356.
Rhabdoid tumor predisposition syndrome 2 (RTPS2). Identifiers: Orphanet 231108, Orphanet 69077, MedGen C2750074, MONDO:0013224, OMIM 613325.

Allele frequency attached by ClinVar (database versions not stated): gnomAD exomes below 0.00001.
gnomAD v4.1: 1 of 1,592,736 alleles (0.000063%); highest among the groups gnomAD compares: Non-Finnish European, 0.000086%; no homozygotes.

Submissions (3):

GeneDx
Classification: Uncertain significance. Last evaluated: 2023-08-24. Review status: criteria provided, single submitter. Criteria: GeneDx Variant Classification Process June 2021. Collection method: clinical testing. Allele origin: germline. Affected: yes.
Comment: Not observed at significant frequency in large population cohorts (gnomAD); In silico analysis suggests this variant may impact gene splicing. In the absence of RNA/functional studies, the actual effect of this sequence change is unknown.; Has not been previously published as pathogenic or benign to our knowledge

Ambry Genetics
Classification: Uncertain significance for Hereditary cancer-predisposing syndrome. Last evaluated: 2023-08-08. Review status: criteria provided, single submitter. Criteria: Ambry Variant Classification Scheme 2023. Collection method: clinical testing. Allele origin: germline.
Comment: The c.2973+4A>G intronic variant results from an A to G substitution 4 nucleotides after coding exon 19 in the SMARCA4 gene. This nucleotide position is poorly conserved in available vertebrate species. In silico splice site analysis for this alteration is inconclusive. Since supporting evidence is limited at this time, the clinical significance of this alteration remains unclear.

Labcorp Genetics (formerly Invitae), Labcorp
Classification: Uncertain significance for Rhabdoid tumor predisposition syndrome 2. Last evaluated: 2022-09-01. Review status: criteria provided, single submitter. Criteria: Invitae Variant Classification Sherloc (09022015). Collection method: clinical testing. Allele origin: germline.
Comment: ClinVar contains an entry for this variant (Variation ID: 1498273). This sequence change falls in intron 20 of the SMARCA4 gene. It does not directly change the encoded amino acid sequence of the SMARCA4 protein. It affects a nucleotide within the consensus splice site. This variant is not present in population databases (gnomAD no frequency). This variant has not been reported in the literature in individuals affected with SMARCA4-related conditions. Variants that disrupt the consensus splice site are a relatively common cause of aberrant splicing (PMID: 17576681, 9536098). Algorithms developed to predict the effect of sequence changes on RNA splicing suggest that this variant may create or strengthen a splice site. In summary, the available evidence is currently insufficient to determine the role of this variant in disease. Therefore, it has been classified as a Variant of Uncertain Significance.

Literature cited by the submitters: PubMed 17576681 (cited by Labcorp Genetics (formerly Invitae), Labcorp); PubMed 9536098 (cited by Labcorp Genetics (formerly Invitae), Labcorp).